The following is an entry in ClinVar:

NM_002778.4(PSAP):c.49G>A (p.Gly17Ser)

Gene: PSAP (prosaposin; minus strand). Cytogenetic location: 10q22.1.
Variant type: single nucleotide variant.
Coding change: c.49G>A on transcript NM_002778.4 (MANE Select); coding-DNA position 49, G replaced by A.
Protein change: p.Gly17Ser; replaces glycine 17 with serine.
Molecular consequence: missense variant.
Genome position (GRCh38, 1-based): chr10:71,834,497, C>T on the plus strand (G>A on the coding strand, the complement: PSAP is on the minus strand). VCF-style: chr10-71834497-C-T. GRCh37 (hg19) VCF-style: chr10-73594254-C-T.
Other names: c.49G>A (NM_002778.2); c.49G>A, p.Gly17Ser (NM_001042465.3, NM_001042466.3); short protein forms G17S.
Identifiers: ClinVar variation 1984846 (VCV001984846.2), dbSNP rs374922455, ClinGen allele CA5547921.

ClinVar aggregate classification (germline): Conflicting classifications of pathogenicity. Review status: criteria provided, conflicting classifications (1 of 4 stars). 2 submissions from 2 submitters: Uncertain significance (1); Likely benign (1). Last evaluated 2025-09-11.

Conditions:
Inborn genetic diseases. Identifiers: MedGen C0950123, MeSH D030342.
Sphingolipid activator protein 1 deficiency. Also called: METACHROMATIC LEUKODYSTROPHY DUE TO CEREBROSIDE SULFATASE ACTIVATOR DEFICIENCY; Saposin B Deficiency; Metachromatic leukodystrophy due to saposin B deficiency. Identifiers: Orphanet 512, MedGen C0268262, MONDO:0009590, OMIM 249900.

Allele frequency attached by ClinVar (database versions not stated): gnomAD exomes 0.00001; ExAC 0.00002; gnomAD 0.00002; ESP Exome Variant Server 0.00008; TOPMed 0.00004.
gnomAD v4.1: 16 of 1,613,734 alleles (0.00099%); highest among the groups gnomAD compares: African/African-American, 0.008%; no homozygotes.

Submissions (2):

Ambry Genetics
Classification: Likely benign for Inborn genetic diseases. Last evaluated: 2025-09-11. Review status: criteria provided, single submitter. Criteria: Ambry Variant Classification Scheme 2023. Collection method: clinical testing. Allele origin: germline.

Labcorp Genetics (formerly Invitae), Labcorp
Classification: Uncertain significance for Sphingolipid activator protein 1 deficiency. Last evaluated: 2022-06-15. Review status: criteria provided, single submitter. Criteria: Invitae Variant Classification Sherloc (09022015). Collection method: clinical testing. Allele origin: germline.
Comment: This sequence change replaces glycine, which is neutral and non-polar, with serine, which is neutral and polar, at codon 17 of the PSAP protein (p.Gly17Ser). This variant is present in population databases (rs374922455, gnomAD 0.008%). This variant has not been reported in the literature in individuals affected with PSAP-related conditions. Algorithms developed to predict the effect of missense changes on protein structure and function output the following: SIFT: "Not Available"; PolyPhen-2: "Benign"; Align-GVGD: "Not Available". The serine amino acid residue is found in multiple mammalian species, which suggests that this missense change does not adversely affect protein function. In summary, the available evidence is currently insufficient to determine the role of this variant in disease. Therefore, it has been classified as a Variant of Uncertain Significance.